The following is an entry in ClinVar:

ClinVar aggregate classification (germline): Likely pathogenic (1 of 4 stars; one submission).

Conditions:
Geroderma osteodysplastica (GO). Also called: WALT DISNEY DWARFISM; Geroderma osteodysplasticum. Identifiers: Orphanet 2078, MedGen C0432255, MONDO:0009271, OMIM 231070.

Submission:

Neuberg Centre For Genomic Medicine, NCGM
Classification: Likely pathogenic for Geroderma osteodysplastica. Review status: criteria provided, single submitter. Criteria: ACMG Guidelines, 2015. Collection method: clinical testing. Allele origin: germline. Inheritance: Autosomal recessive inheritance. Affected: yes.
Comment: The start lost c.1A>G (p.Met1?) variant in GORAB The start lost c.1A>G (p.Met1?) variant in GORAB gene has not been reported previously as a pathogenic variant nor as a benign variant, to our knowledge. This variant is present with allele frequency of 0.003% in gnomAD Genomes. This variant has not been submitted to the ClinVar database. Multiple lines of computational evidence (Polyphen - Probably Damaging, SIFT - Damaging and MutationTaster - Disease causing) predict a damaging effect on protein structure and function for this variant. The reference amino acid at this position on GORAB is predicted as conserved by GERP++ and PhyloP across 100 vertebrates. The p.Met1? variant is predicted to disrupt the initiation codon, and thus potentially may interfere with protein expression. However, additional functional studies will be required to prove the pathogenicity of this variant. For these reasons, this variant has been classified as Likely Pathogenic.has not been reported previously as a pathogenic variant nor as a benign variant, to our knowledge. This variant is present with allele frequency of 0.003% in gnomAD Genomes. This variant has not been submitted to the ClinVar database. Multiple lines of computational evidence (Polyphen - Probably Damaging, SIFT - Damaging and MutationTaster - Disease causing) predict a damaging effect on protein structure and function for this variant. The reference amino acid at this position on GORAB is predicted as conserved by GERP++ and PhyloP across 100 vertebrates. The p.Met1? variant is predicted to disrupt the initiation codon, and thus potentially may interfere with protein expression. However, additional functional studies will be required to prove the pathogenicity of this variant. For these reasons, this variant has been classified as Likely Pathogenic.

NM_152281.3(GORAB):c.1A>G (p.Met1Val)

Genes: GORAB (golgin, RAB6 interacting; plus strand), GORAB-AS1 (GORAB antisense RNA 1; minus strand). Cytogenetic location: 1q24.2.
Variant type: single nucleotide variant.
Coding change: c.1A>G on transcript NM_152281.3 (MANE Select); coding-DNA position 1, A replaced by G.
Protein change: p.Met1Val; changes the start codon (methionine 1).
Molecular consequence: missense variant, initiator codon variant. On other transcripts: 5 prime UTR variant (1), non-coding transcript variant (1).
Genome position (GRCh38, 1-based): chr1:170,532,224, A>G. VCF-style: chr1-170532224-A-G. GRCh37 (hg19) VCF-style: chr1-170501365-A-G.
Other names: c.1A>G, p.Met1Val (NM_001146039.2, NM_001410894.1); c.-765A>G (NM_001320252.2); short protein forms M1V.
Identifiers: ClinVar variation 3731408 (VCV003731408.1).